The following is an entry in ClinVar:

NM_017866.6(TMEM70):c.440T>C (p.Ile147Thr)

Gene: TMEM70 (transmembrane protein 70; plus strand). Cytogenetic location: 8q21.11.
Variant type: single nucleotide variant.
Coding change: c.440T>C on transcript NM_017866.6 (MANE Select); coding-DNA position 440, T replaced by C.
Protein change: p.Ile147Thr; replaces isoleucine 147 with threonine.
Molecular consequence: missense variant. On other transcripts: 3 prime UTR variant (1), non-coding transcript variant (1).
Genome position (GRCh38, 1-based): chr8:73,981,278, T>C. VCF-style: chr8-73981278-T-C. GRCh37 (hg19) VCF-style: chr8-74893513-T-C.
Other names: c.*130T>C (NM_001040613.3); short protein forms I147T.
Identifiers: ClinVar variation 571761 (VCV000571761.5), dbSNP rs201306262, ClinGen allele CA4784055.

ClinVar aggregate classification (germline): Uncertain significance. Review status: criteria provided, multiple submitters, no conflicts (2 of 4 stars). 2 submissions from 2 submitters: Uncertain significance (2). Last evaluated 2022-04-20.

Conditions:
Mitochondrial complex V (ATP synthase) deficiency, nuclear type 2. Also called: ENCEPHALOCARDIOMYOPATHY, MITOCHONDRIAL, NEONATAL, DUE TO ATP SYNTHASE DEFICIENCY; MITOCHONDRIAL COMPLEX V (ATP SYNTHASE) DEFICIENCY, TMEM70 TYPE; Nuclear-Encoded ATPase Deficiency, TMEM70-Related. Identifiers: Orphanet 1194, MedGen C3279699, MONDO:0013546, OMIM 614052.

Allele frequency attached by ClinVar (database versions not stated): gnomAD 0.00001 and 0.00003; gnomAD exomes 0.00001 and 0.00004; ExAC 0.00002; TOPMed 0.00004; 1000 Genomes Project 30x 0.00016; 1000 Genomes Project 0.00020.
gnomAD v4.1: 26 of 1,614,212 alleles (0.0016%); highest among the groups gnomAD compares: East Asian, 0.058%; no homozygotes.

Submissions (2):

Labcorp Genetics (formerly Invitae), Labcorp
Classification: Uncertain significance for Mitochondrial complex V (ATP synthase) deficiency, nuclear type 2. Last evaluated: 2022-04-20. Review status: criteria provided, single submitter. Criteria: Invitae Variant Classification Sherloc (09022015). Collection method: clinical testing. Allele origin: germline.
Comment: This sequence change replaces isoleucine, which is neutral and non-polar, with threonine, which is neutral and polar, at codon 147 of the TMEM70 protein (p.Ile147Thr). This variant is present in population databases (rs201306262, gnomAD 0.05%). This missense change has been observed in individual(s) with long QT syndrome (LQTS) and hypertrophic cardiomyopathy (HCM) (PMID: 25825456). ClinVar contains an entry for this variant (Variation ID: 571761). Algorithms developed to predict the effect of missense changes on protein structure and function output the following: SIFT: "Deleterious"; PolyPhen-2: "Benign"; Align-GVGD: "Class C25". The threonine amino acid residue is found in multiple mammalian species, which suggests that this missense change does not adversely affect protein function. In summary, the available evidence is currently insufficient to determine the role of this variant in disease. Therefore, it has been classified as a Variant of Uncertain Significance.

Fulgent Genetics
Classification: Uncertain significance for Mitochondrial complex V (ATP synthase) deficiency, nuclear type 2. Last evaluated: 2021-09-20. Review status: criteria provided, single submitter. Criteria: ACMG Guidelines, 2015. Collection method: clinical testing. Allele origin: unknown.

Literature cited by the submitters: PubMed 25825456 (cited by Labcorp Genetics (formerly Invitae), Labcorp).